The following is an entry in ClinVar:

ClinVar aggregate classification (germline): Benign/Likely benign. Review status: criteria provided, multiple submitters, no conflicts (2 of 4 stars). 3 submissions from 3 submitters: Benign (1); Likely benign (2). Last evaluated 2025-12-28.

Conditions:
Methylmalonic acidemia with homocystinuria, type cblX (MAHCX). Also called: INTELLECTUAL DEVELOPMENTAL DISORDER, X-LINKED 3. Identifiers: Orphanet 369962, MedGen C0796208, MONDO:0010657, OMIM 309541.

Allele frequency attached by ClinVar (database versions not stated): TOPMed 0.00033; gnomAD 0.00035 and 0.00036; gnomAD exomes 0.00039 and 0.00082; ESP Exome Variant Server 0.00040; ExAC 0.00128.

Submissions (3):

Labcorp Genetics (formerly Invitae), Labcorp
Classification: Benign for Methylmalonic acidemia with homocystinuria, type cblX. Last evaluated: 2025-12-28. Review status: criteria provided, single submitter. Criteria: Invitae Variant Classification Sherloc (09022015). Collection method: clinical testing. Allele origin: germline.

Blueprint Genetics
Classification: Likely benign. Last evaluated: 2024-09-03. Review status: criteria provided, single submitter. Criteria: ACMG Guidelines, 2015. Collection method: clinical testing. Allele origin: germline.

CeGaT Center for Human Genetics Tuebingen
Classification: Likely benign. Last evaluated: 2023-12-01. Review status: criteria provided, single submitter. Criteria: CeGaT Center For Human Genetics Tuebingen Variant Classification Criteria Version 2. Collection method: clinical testing. Allele origin: germline. Affected: yes. Observed: 1 variant allele.
Comment: HCFC1: BP4, BS2

NM_005334.3(HCFC1):c.4943-11C>T

Gene: HCFC1 (host cell factor C1; minus strand). Cytogenetic location: Xq28.
Variant type: single nucleotide variant.
Coding change: c.4943-11C>T on transcript NM_005334.3 (MANE Select); 11 bases into the intron before coding-DNA position 4943, C replaced by T.
Molecular consequence: intron variant.
Genome position (GRCh38, 1-based): chrX:153,952,169, G>A on the plus strand (C>T on the coding strand, the complement: HCFC1 is on the minus strand). VCF-style: chrX-153952169-G-A. GRCh37 (hg19) VCF-style: chrX-153217620-G-A.
Identifiers: ClinVar variation 1593142 (VCV001593142.31), dbSNP rs375388306, ClinGen allele CA10556878.